The following is an entry in ClinVar:

NM_001386140.1(MTTP):c.1839T>C (p.Ser613=)

Gene: MTTP (microsomal triglyceride transfer protein; plus strand). Cytogenetic location: 4q23.
Variant type: single nucleotide variant.
Coding change: c.1839T>C on transcript NM_001386140.1 (MANE Select); coding-DNA position 1839, T replaced by C.
Protein change: p.Ser613=; no amino-acid change (serine 613 retained).
Molecular consequence: synonymous variant.
Genome position (GRCh38, 1-based): chr4:99,611,212, T>C. VCF-style: chr4-99611212-T-C. GRCh37 (hg19) VCF-style: chr4-100532369-T-C.
Other names: c.1839T>C, p.Ser613= (NM_000253.4); c.1590T>C, p.Ser530= (NM_001300785.2); c.1839T>C (NM_000253.3).
Identifiers: ClinVar variation 1111632 (VCV001111632.9), dbSNP rs374255333, ClinGen allele CA3022208.

ClinVar aggregate classification (germline): Likely benign. Review status: criteria provided, single submitter (1 of 4 stars). 2 submissions from 2 submitters: Likely benign (1). 1 of the submissions does not count toward it. Last evaluated 2023-05-27.

Conditions:
MTTP-related disorder. Also called: MTTP-related condition.

Allele frequency attached by ClinVar (database versions not stated): gnomAD exomes below 0.00001 and 0.00001; ExAC 0.00001; gnomAD 0.00001; TOPMed 0.00004; ESP Exome Variant Server 0.00008.
gnomAD v4.1: 3 of 1,613,954 alleles (0.00019%); highest among the groups gnomAD compares: African/African-American, 0.004%; no homozygotes.

Submissions (2):

Labcorp Genetics (formerly Invitae), Labcorp
Classification: Likely benign. Last evaluated: 2023-05-27. Review status: criteria provided, single submitter. Criteria: Invitae Variant Classification Sherloc (09022015). Collection method: clinical testing. Allele origin: germline.

PreventionGenetics, part of Exact Sciences
Classification: Likely benign for MTTP-related condition. Last evaluated: 2019-09-16. Review status: no assertion criteria provided. Collection method: clinical testing. Allele origin: germline. Not counted in ClinVar's aggregate classification.
Comment: This variant is classified as likely benign based on ACMG/AMP sequence variant interpretation guidelines (Richards et al. 2015 PMID: 25741868, with internal and published modifications).